The following is an entry in ClinVar:

ClinVar aggregate classification (germline): Uncertain significance. Review status: criteria provided, multiple submitters, no conflicts (2 of 4 stars). 4 submissions from 4 submitters: Uncertain significance (4). Last evaluated 2025-12-24.

Conditions:
Cardiovascular phenotype. Identifiers: MedGen CN230736.
Long QT syndrome 15 (LQT15). Identifiers: Orphanet 101016, Orphanet 768, MedGen C4015695, MONDO:0014550, OMIM 616249.
Long QT syndrome 1 (LQT1). Identifiers: Orphanet 101016, Orphanet 768, MedGen C4551647, MONDO:0100316, OMIM 192500, MONDO:0008646.

Allele frequency attached by ClinVar (database versions not stated): ExAC 0.00002; gnomAD 0.00002; gnomAD exomes 0.00002 and 0.00003; TOPMed 0.00002.
gnomAD v4.1: 38 of 1,609,698 alleles (0.0024%); highest among the groups gnomAD compares: Admixed American, 0.0017%; no homozygotes.

Submissions (4):

Labcorp Genetics (formerly Invitae), Labcorp
Classification: Uncertain significance for Long QT syndrome 1. Last evaluated: 2025-12-24. Review status: criteria provided, single submitter. Criteria: Invitae Variant Classification Sherloc (09022015). Collection method: clinical testing. Allele origin: germline.
Comment: This sequence change affects codon 140 of the CALM2 mRNA. It is a 'silent' change, meaning that it does not change the encoded amino acid sequence of the CALM2 protein. It affects a nucleotide within the consensus splice site. This variant is present in population databases (rs201444040, gnomAD 0.06%). This variant has not been reported in the literature in individuals affected with CALM2-related conditions. ClinVar contains an entry for this variant (Variation ID: 1304927). Algorithms developed to predict the effect of sequence changes on RNA splicing suggest that this variant is not likely to affect RNA splicing. In summary, the available evidence is currently insufficient to determine the role of this variant in disease. Therefore, it has been classified as a Variant of Uncertain Significance.

Ambry Genetics
Classification: Uncertain significance for Cardiovascular phenotype. Last evaluated: 2024-02-22. Review status: criteria provided, single submitter. Criteria: Ambry Variant Classification Scheme 2023. Collection method: clinical testing. Allele origin: germline.
Comment: The c.420A>G variant (also known as p.E140E), located in coding exon 5 of the CALM2 gene, results from an A to G substitution at nucleotide position 420. This nucleotide substitution does not change the glutamic acid at codon 140. This nucleotide position is highly conserved in available vertebrate species. In silico splice site analysis for this alteration is inconclusive. Based on the available evidence, the clinical significance of this alteration remains unclear.

New York Genome Center
Classification: Uncertain significance for Long QT syndrome 15. Last evaluated: 2022-08-10. Review status: criteria provided, single submitter. Criteria: NYGC Assertion Criteria 2020. Collection method: clinical testing. Allele origin: germline. Observed: 1 heterozygote.

GeneDx
Classification: Uncertain significance. Last evaluated: 2019-04-29. Review status: criteria provided, single submitter. Criteria: GeneDx Variant Classification Process June 2021. Collection method: clinical testing. Allele origin: germline. Affected: yes.
Comment: Has not been previously published as pathogenic or benign to our knowledge; In silico analysis, which includes splice predictors and supports that this variant does not alter protein structure/function. In the absence of RNA/functional studies, the actual effect of this sequence change is unknown.

NM_001743.6(CALM2):c.420A>G (p.Glu140=)

Gene: CALM2 (calmodulin 2; minus strand). Cytogenetic location: 2p21.
Variant type: single nucleotide variant.
Coding change: c.420A>G on transcript NM_001743.6 (MANE Select); coding-DNA position 420, A replaced by G.
Protein change: p.Glu140=; no amino-acid change (glutamic acid 140 retained).
Molecular consequence: synonymous variant.
Genome position (GRCh38, 1-based): chr2:47,161,724, T>C on the plus strand (A>G on the coding strand, the complement: CALM2 is on the minus strand). VCF-style: chr2-47161724-T-C. GRCh37 (hg19) VCF-style: chr2-47388863-T-C.
Other names: c.564A>G, p.Glu188= (NM_001305624.1); c.312A>G, p.Glu104= (NM_001305625.2, NM_001305626.1).
Identifiers: ClinVar variation 1304927 (VCV001304927.11), dbSNP rs201444040, ClinGen allele CA1648540.